The following is an entry in ClinVar:

ClinVar aggregate classification (germline): Uncertain significance (1 of 4 stars; one submission).

Conditions:
Primary dilated cardiomyopathy (DCM). Also called: Dilated Cardiomyopathy. Identifiers: Orphanet 217604, MedGen C0007193, MeSH D002311, MONDO:0005021, HP:0001644. Inheritance: Various modes of inheritance.

Allele frequency attached by ClinVar (database versions not stated): gnomAD exomes below 0.00001.
gnomAD v4.1: 1 of 1,609,074 alleles (0.000062%); highest among the groups gnomAD compares: Admixed American, 0.0017%; no homozygotes.

Submission:

Labcorp Genetics (formerly Invitae), Labcorp
Classification: Uncertain significance for Primary dilated cardiomyopathy. Last evaluated: 2026-01-18. Review status: criteria provided, single submitter. Criteria: Invitae Variant Classification Sherloc (09022015). Collection method: clinical testing. Allele origin: germline.
Comment: This sequence change falls in intron 24 of the NEBL gene. It does not directly change the encoded amino acid sequence of the NEBL protein. It affects a nucleotide within the consensus splice site. This variant is present in population databases (no rsID available, gnomAD 0.003%). This variant has not been reported in the literature in individuals affected with NEBL-related conditions. ClinVar contains an entry for this variant (Variation ID: 1026060). Variants that disrupt the consensus splice site are a relatively common cause of aberrant splicing (PMID: 17576681, 9536098). Algorithms developed to predict the effect of sequence changes on RNA splicing suggest that this variant may disrupt the consensus splice site. In summary, the available evidence is currently insufficient to determine the role of this variant in disease. Therefore, it has been classified as a Variant of Uncertain Significance.

Literature cited by the submitters: PubMed 17576681; PubMed 9536098.

NM_006393.3(NEBL):c.2519-3A>G

Gene: NEBL (nebulette; minus strand). Cytogenetic location: 10p12.31.
Variant type: single nucleotide variant.
Coding change: c.2519-3A>G on transcript NM_006393.3 (MANE Select); 3 bases into the intron before coding-DNA position 2519, A replaced by G.
Molecular consequence: intron variant.
Genome position (GRCh38, 1-based): chr10:20,809,901, T>C on the plus strand (A>G on the coding strand, the complement: NEBL is on the minus strand). VCF-style: chr10-20809901-T-C. GRCh37 (hg19) VCF-style: chr10-21098830-T-C.
Other names: c.421+2868A>G (NM_001377326.1, NM_001377327.1, NM_001377328.1); c.529+2868A>G (NM_213569.2, NM_001173484.2); c.530-3A>G (NM_001377322.1); c.472+2868A>G (NM_001377324.1); c.463+2868A>G (NM_001377325.1); c.481+2868A>G (NM_001377323.1).
Identifiers: ClinVar variation 1026060 (VCV001026060.11), dbSNP rs1396613955, ClinGen allele CA591870718.